The following is an entry in ClinVar:

NM_014915.3(ANKRD26):c.1835T>C (p.Met612Thr)

Gene: ANKRD26 (ankyrin repeat domain containing 26; minus strand). Cytogenetic location: 10p12.1.
Variant type: single nucleotide variant.
Coding change: c.1835T>C on transcript NM_014915.3 (MANE Select); coding-DNA position 1835, T replaced by C.
Protein change: p.Met612Thr; replaces methionine 612 with threonine.
Molecular consequence: missense variant.
Genome position (GRCh38, 1-based): chr10:27,046,503, A>G on the plus strand (T>C on the coding strand, the complement: ANKRD26 is on the minus strand). VCF-style: chr10-27046503-A-G. GRCh37 (hg19) VCF-style: chr10-27335432-A-G.
Other names: c.1832T>C, p.Met611Thr (NM_001256053.2); short protein forms M611T, M612T.
Identifiers: ClinVar variation 1336163 (VCV001336163.4), dbSNP rs2135318717, ClinGen allele CA376353391.
Genomic context (GRCh38, chr10:27,046,503, plus strand): 5'-GGTGAATTCACAGATTCTTTCGAGGTCCGTTTTTCTTTTTCAGTGCTCTTTACTTCCTTC[A>G]TTTGCAAGGCAGGACCACTACTTTAAAAAATCCATGGGAAATGACAGTTACATAAGAAAA-3'
Protein context (NP_055730.2, residues 602-622): EYASSGPALQ[Met612Thr]KEVKSTEKEK

ClinVar aggregate classification (germline): Uncertain significance (1 of 4 stars; one submission).

Submission:

Genetic Services Laboratory, University of Chicago
Classification: Uncertain significance. Last evaluated: 2021-02-16. Review status: criteria provided, single submitter. Criteria: ACMG Guidelines, 2015. Collection method: clinical testing. Allele origin: germline. Affected: no.
Comment: This sequence change does not appear to have been previously described in patients with ANKRD26-related disorders and has not been described in the large population databases (ExAC adn gnomAD). The p.Met612Thr change affects a moderately conserved amino acid residue located in a domain of the ANKRD26 protein that is not known to be functional. In-silico pathogenicity prediction tools (SIFT, PolyPhen2, Align GVGD, REVEL) provide contradictory results for the p.Met612Thr substitution. Due to these contrasting evidences and the lack of functional studies, the clinical significance of the p.Met612Thr change remains unknown at this time.